The following is an entry in ClinVar:

NM_004560.4(ROR2):c.*1016T>G

Gene: ROR2 (receptor tyrosine kinase like orphan receptor 2; minus strand). Cytogenetic location: 9q22.31.
Variant type: single nucleotide variant.
Coding change: c.*1016T>G on transcript NM_004560.4 (MANE Select); 1016 bases downstream of the stop codon, T replaced by G.
Molecular consequence: 3 prime UTR variant.
Genome position (GRCh38, 1-based): chr9:91,722,646, A>C on the plus strand (T>G on the coding strand, the complement: ROR2 is on the minus strand). VCF-style: chr9-91722646-A-C. GRCh37 (hg19) VCF-style: chr9-94484928-A-C.
Identifiers: ClinVar variation 367479 (VCV000367479.6), dbSNP rs1135169, ClinGen allele CA10634076.

ClinVar aggregate classification (germline): Benign. Review status: criteria provided, multiple submitters, no conflicts (2 of 4 stars). 3 submissions from 2 submitters: Benign (3). Last evaluated 2018-01-13.

Conditions:
Brachydactyly type B1 (BDB1). Identifiers: Orphanet 572385, Orphanet 93383, MedGen C1862112, MONDO:0007220, OMIM 113000.
Autosomal recessive Robinow syndrome (RRS1). Also called: ROBINOW SYNDROME, AUTOSOMAL RECESSIVE 1; COSTOVERTEBRAL SEGMENTATION DEFECT WITH MESOMELIA; COVESDEM SYNDROME; ROR2-Related Robinow Syndrome. Identifiers: Orphanet 1507, Orphanet 97360, MedGen C5399974, MONDO:0009999, OMIM 268310.

Allele frequency attached by ClinVar (database versions not stated): TOPMed 0.05759; gnomAD 0.05960 and 0.06281; 1000 Genomes Project 30x 0.07854; 1000 Genomes Project 0.07927; gnomAD exomes 0.08238.
gnomAD v4.1: 61,085 of 779,484 alleles (7.8%); highest among the groups gnomAD compares: East Asian, 14%; 2,935 homozygotes.

Submissions (3):

Illumina Laboratory Services, Illumina
Classification: Benign for Brachydactyly type B1. Last evaluated: 2018-01-13. Review status: criteria provided, single submitter. Criteria: ICSL Variant Classification Criteria 13 December 2019. Collection method: clinical testing. Allele origin: germline.
Comment: This variant was observed in the ICSL laboratory as part of a predisposition screen in an ostensibly healthy population. It had not been previously curated by ICSL or reported in the Human Gene Mutation Database (HGMD: prior to June 1st, 2018), and was therefore a candidate for classification through an automated scoring system. Utilizing variant allele frequency, disease prevalence and penetrance estimates, and inheritance mode, an automated score was calculated to assess if this variant is too frequent to cause the disease. Based on the score and internal cut-off values, a variant classified as benign is not then subjected to further curation. The score for this variant resulted in a classification of benign for this disease.

Illumina Laboratory Services, Illumina
Classification: Benign for Autosomal recessive Robinow syndrome. Last evaluated: 2018-01-13. Review status: criteria provided, single submitter. Criteria: ICSL Variant Classification Criteria 13 December 2019. Collection method: clinical testing. Allele origin: germline.
Comment: the same text as in the submission from Illumina Laboratory Services, Illumina above.

Breakthrough Genomics
Classification: Benign. Review status: criteria provided, single submitter. Criteria: ACMG Guidelines, 2015. Collection method: not provided. Allele origin: germline. Inheritance: Autosomal recessive inheritance. Affected: yes.